The following is an entry in ClinVar:

NM_000112.4(SLC26A2):c.925C>T (p.Leu309Phe)

Gene: SLC26A2 (solute carrier family 26 member 2; plus strand). Cytogenetic location: 5q32.
Variant type: single nucleotide variant.
Coding change: c.925C>T on transcript NM_000112.4 (MANE Select); coding-DNA position 925, C replaced by T.
Protein change: p.Leu309Phe; replaces leucine 309 with phenylalanine.
Molecular consequence: missense variant.
Genome position (GRCh38, 1-based): chr5:149,980,518, C>T. VCF-style: chr5-149980518-C-T. GRCh37 (hg19) VCF-style: chr5-149360081-C-T.
Other names: short protein forms L309F.
Identifiers: ClinVar variation 2417037 (VCV002417037.4), dbSNP rs1051469969, ClinGen allele CA129083951.

ClinVar aggregate classification (germline): Uncertain significance (1 of 4 stars; one submission).

Conditions:
Achondrogenesis, type IB (ACG1B). Also called: Achondrogenesis Type 1B. Identifiers: Orphanet 932, Orphanet 93298, MedGen C0265274, MONDO:0010966, OMIM 600972.
Atelosteogenesis type II (AO2). Also called: NEONATAL OSSEOUS DYSPLASIA I; SLC26A2-Related Atelosteogenesis; Neonatal osseous dysplasia 1. Identifiers: Orphanet 56304, MedGen C1850554, MONDO:0009727, OMIM 256050.
Diastrophic dysplasia (DTD). Also called: Diastrophic dwarfism. Identifiers: Orphanet 628, MedGen C0220726, MONDO:0009107, OMIM 222600.
Multiple epiphyseal dysplasia type 4 (EDM4). Also called: SLC26A2-Related Multiple Epiphyseal Dysplasia; Multiple Epiphyseal Dysplasia, Recessive; MULTIPLE EPIPHYSEAL DYSPLASIA WITH BILAYERED PATELLAE; MULTIPLE EPIPHYSEAL DYSPLASIA WITH CLUBFOOT; MULTIPLE EPIPHYSEAL DYSPLASIA, AUTOSOMAL RECESSIVE. Identifiers: Orphanet 93307, MedGen C1847593, MONDO:0009189, OMIM 226900.

Allele frequency attached by ClinVar (database versions not stated): gnomAD exomes below 0.00001; TOPMed 0.00001.
gnomAD v4.1: 8 of 1,614,154 alleles (0.0005%); highest among the groups gnomAD compares: Non-Finnish European, 0.00059%; no homozygotes.

Submission:

Labcorp Genetics (formerly Invitae), Labcorp
Classification: Uncertain significance for Atelosteogenesis type II; Multiple epiphyseal dysplasia type 4; Achondrogenesis, type IB; Diastrophic dysplasia. Last evaluated: 2022-10-16. Review status: criteria provided, single submitter. Criteria: Invitae Variant Classification Sherloc (09022015). Collection method: clinical testing. Allele origin: germline.
Comment: This sequence change replaces leucine, which is neutral and non-polar, with phenylalanine, which is neutral and non-polar, at codon 309 of the SLC26A2 protein (p.Leu309Phe). This variant is present in population databases (no rsID available, gnomAD 0.0009%). This variant has not been reported in the literature in individuals affected with SLC26A2-related conditions. Advanced modeling of protein sequence and biophysical properties (such as structural, functional, and spatial information, amino acid conservation, physicochemical variation, residue mobility, and thermodynamic stability) performed at Invitae indicates that this missense variant is not expected to disrupt SLC26A2 protein function. In summary, the available evidence is currently insufficient to determine the role of this variant in disease. Therefore, it has been classified as a Variant of Uncertain Significance.